The following is an entry in ClinVar:

ClinVar aggregate classification (germline): Conflicting classifications of pathogenicity. Review status: criteria provided, conflicting classifications (1 of 4 stars). 5 submissions from 5 submitters: Uncertain significance (2); Benign (1); Likely benign (1). 1 of the submissions does not count toward it. Last evaluated 2026-01-27.

Conditions:
TBX6-related disorder. Also called: TBX6-related condition.

Allele frequency attached by ClinVar (database versions not stated): 1000 Genomes Project 30x 0.00016; 1000 Genomes Project 0.00020; ESP Exome Variant Server 0.00054; gnomAD 0.00062 and 0.00065; TOPMed 0.00067.

Submissions (5):

Labcorp Genetics (formerly Invitae), Labcorp
Classification: Benign. Last evaluated: 2026-01-27. Review status: criteria provided, single submitter. Criteria: Invitae Variant Classification Sherloc (09022015). Collection method: clinical testing. Allele origin: germline.

Blueprint Genetics
Classification: Likely benign. Last evaluated: 2024-11-06. Review status: criteria provided, single submitter. Criteria: ACMG Guidelines, 2015. Collection method: clinical testing. Allele origin: germline.

CeGaT Center for Human Genetics Tuebingen
Classification: Uncertain significance. Last evaluated: 2021-03-01. Review status: criteria provided, single submitter. Criteria: CeGaT Center For Human Genetics Tuebingen Variant Classification Criteria Version 2. Collection method: clinical testing. Allele origin: germline. Affected: yes. Observed: 1 variant allele.

Eurofins Ntd Llc (ga)
Classification: Uncertain significance. Last evaluated: 2016-04-27. Review status: criteria provided, single submitter. Criteria: EGL Classification Definitions 2015. Collection method: clinical testing. Allele origin: germline. Observed: 2 variant alleles, 2 heterozygotes.

PreventionGenetics, part of Exact Sciences
Classification: Likely benign for TBX6-related condition. Last evaluated: 2020-01-24. Review status: no assertion criteria provided. Collection method: clinical testing. Allele origin: germline. Not counted in ClinVar's aggregate classification.
Comment: This variant is classified as likely benign based on ACMG/AMP sequence variant interpretation guidelines (Richards et al. 2015 PMID: 25741868, with internal and published modifications).

NM_004608.4(TBX6):c.585C>T (p.Val195=)

Gene: TBX6 (T-box transcription factor 6; minus strand). Cytogenetic location: 16p11.2.
Variant type: single nucleotide variant.
Coding change: c.585C>T on transcript NM_004608.4 (MANE Select); coding-DNA position 585, C replaced by T.
Protein change: p.Val195=; no amino-acid change (valine 195 retained).
Molecular consequence: synonymous variant.
Genome position (GRCh38, 1-based): chr16:30,088,979, G>A on the plus strand (C>T on the coding strand, the complement: TBX6 is on the minus strand). VCF-style: chr16-30088979-G-A. GRCh37 (hg19) VCF-style: chr16-30100300-G-A.
Identifiers: ClinVar variation 287278 (VCV000287278.52), dbSNP rs148435229, ClinGen allele CA8001886.
Genomic context (GRCh38, chr16:30,088,979, plus strand): 5'-CTGGAGTCCCAGCCTGGGCCTCACGTGGCCGTGGGGGTCCAGCGTGCTGTTGGTGAGCTT[G>A]ACACGATGGAAAGACACAGGCTGCCGCATCCAATGTGCACCAGTGGCAGGAGAGTCGGGG-3'
Protein context (NP_004599.2, residues 185-205): WMRQPVSFHR[Val195=]KLTNSTLDPH